The following is an entry in ClinVar:

ClinVar aggregate classification (germline): Benign/Likely benign. Review status: criteria provided, multiple submitters, no conflicts (2 of 4 stars). 3 submissions from 3 submitters: Benign (1); Likely benign (2). Last evaluated 2026-02-01.

Conditions:
Junctional epidermolysis bullosa, non-Herlitz type. Also called: EPIDERMOLYSIS BULLOSA JUNCTIONALIS, DISENTIS TYPE; EPIDERMOLYSIS BULLOSA JUNCTIONALIS, NON-HERLITZ TYPE; EPIDERMOLYSIS BULLOSA JUNCTIONALIS, PROGRESSIVE; EPIDERMOLYSIS BULLOSA JUNCTIONALIS, SEVERE NONLETHAL; COL17A1-Related Junctional Epidermolysis Bullosa; Epidermolysis bullosa, junctional, non-herlitz type, somatic mosaic revertant. Identifiers: Orphanet 251393, Orphanet 79402, Orphanet 79405, Orphanet 89840, MedGen C0268374, MONDO:0009180, OMIM 226650.

Allele frequency attached by ClinVar (database versions not stated): ESP Exome Variant Server 0.00154; TOPMed 0.00180; 1000 Genomes Project 0.00260; 1000 Genomes Project 30x 0.00328.
gnomAD v4.1: 1,033 of 1,613,490 alleles (0.064%); highest among the groups gnomAD compares: African/African-American, 0.48%; 1 homozygote.

Submissions (3):

Labcorp Genetics (formerly Invitae), Labcorp
Classification: Benign. Last evaluated: 2026-02-01. Review status: criteria provided, single submitter. Criteria: Invitae Variant Classification Sherloc (09022015). Collection method: clinical testing. Allele origin: germline.

Blueprint Genetics
Classification: Likely benign. Last evaluated: 2024-11-11. Review status: criteria provided, single submitter. Criteria: ACMG Guidelines, 2015. Collection method: clinical testing. Allele origin: germline.

Illumina Laboratory Services, Illumina
Classification: Likely benign for Junctional epidermolysis bullosa, non-Herlitz type. Last evaluated: 2018-01-13. Review status: criteria provided, single submitter. Criteria: ICSL Variant Classification Criteria 13 December 2019. Collection method: clinical testing. Allele origin: germline.
Comment: This variant was observed in the ICSL laboratory as part of a predisposition screen in an ostensibly healthy population. It had not been previously curated by ICSL or reported in the Human Gene Mutation Database (HGMD: prior to June 1st, 2018), and was therefore a candidate for classification through an automated scoring system. Utilizing variant allele frequency, disease prevalence and penetrance estimates, and inheritance mode, an automated score was calculated to assess if this variant is too frequent to cause the disease. Based on the score and internal cut-off values, a variant classified as likely benign is not then subjected to further curation. The score for this variant resulted in a classification of likely benign for this disease.

NM_000494.4(COL17A1):c.1687+15G>T

Gene: COL17A1 (collagen type XVII alpha 1 chain; minus strand). Cytogenetic location: 10q25.1.
Variant type: single nucleotide variant.
Coding change: c.1687+15G>T on transcript NM_000494.4 (MANE Select); 15 bases into the intron after coding-DNA position 1687, G replaced by T.
Molecular consequence: intron variant.
Genome position (GRCh38, 1-based): chr10:104,055,767, C>A on the plus strand (G>T on the coding strand, the complement: COL17A1 is on the minus strand). VCF-style: chr10-104055767-C-A. GRCh37 (hg19) VCF-style: chr10-105815525-C-A.
Other names: c.1687+15G>T (LRG_1249t1).
Identifiers: ClinVar variation 298726 (VCV000298726.9), dbSNP rs77525709, ClinGen allele CA5678953.